The following is an entry in ClinVar:

NM_002439.5(MSH3):c.1226C>G (p.Ala409Gly)

Gene: MSH3 (mutS homolog 3; plus strand). Cytogenetic location: 5q14.1.
Variant type: single nucleotide variant.
Coding change: c.1226C>G on transcript NM_002439.5 (MANE Select); coding-DNA position 1226, C replaced by G.
Protein change: p.Ala409Gly; replaces alanine 409 with glycine.
Molecular consequence: missense variant.
Genome position (GRCh38, 1-based): chr5:80,678,979, C>G. VCF-style: chr5-80678979-C-G. GRCh37 (hg19) VCF-style: chr5-79974798-C-G.
Other names: short protein forms A409G.
Identifiers: ClinVar variation 5024835 (VCV005024835.1).

ClinVar aggregate classification (germline): Uncertain significance (1 of 4 stars; one submission).

Conditions:
Hereditary cancer-predisposing syndrome. Also called: Neoplastic Syndromes, Hereditary; Tumor predisposition; Hereditary neoplastic syndrome; Hereditary Cancer Syndrome. Identifiers: Orphanet 140162, MedGen C0027672, MeSH D009386, MONDO:0015356.

Submission:

Ambry Genetics
Classification: Uncertain significance for Hereditary cancer-predisposing syndrome. Last evaluated: 2026-08-25. Review status: criteria provided, single submitter. Criteria: Ambry Variant Classification Scheme 2023. Collection method: clinical testing. Allele origin: germline.
Comment: The p.A409G variant (also known as c.1226C>G), located in coding exon 8 of the MSH3 gene, results from a C to G substitution at nucleotide position 1226. The alanine at codon 409 is replaced by glycine, an amino acid with similar properties. This amino acid position is conserved. In addition, this alteration is predicted to be tolerated by in silico analysis. Based on the available evidence, the clinical significance of this variant remains unclear.